The following is an entry in ClinVar:

ClinVar aggregate classification (germline): Uncertain significance (1 of 4 stars; one submission).

Allele frequency attached by ClinVar (database versions not stated): ExAC 0.00001; TOPMed 0.00001; gnomAD 0.00003.
gnomAD v4.1: 6 of 1,614,070 alleles (0.00037%); highest among the groups gnomAD compares: Admixed American, 0.01%; no homozygotes.

Submission:

Labcorp Genetics (formerly Invitae), Labcorp
Classification: Uncertain significance. Last evaluated: 2022-07-13. Review status: criteria provided, single submitter. Criteria: Invitae Variant Classification Sherloc (09022015). Collection method: clinical testing. Allele origin: germline.
Comment: Algorithms developed to predict the effect of missense changes on protein structure and function output the following: SIFT: "Tolerated"; PolyPhen-2: "Benign"; Align-GVGD: "Class C0". The glutamic acid amino acid residue is found in multiple mammalian species, which suggests that this missense change does not adversely affect protein function. In summary, the available evidence is currently insufficient to determine the role of this variant in disease. Therefore, it has been classified as a Variant of Uncertain Significance. This variant has not been reported in the literature in individuals affected with CENPJ-related conditions. This variant is present in population databases (rs765079838, gnomAD 0.006%). This sequence change replaces aspartic acid, which is acidic and polar, with glutamic acid, which is acidic and polar, at codon 409 of the CENPJ protein (p.Asp409Glu).

NM_018451.5(CPAP):c.1227C>G (p.Asp409Glu)

Gene: CPAP (centrosome assembly and centriole elongation protein; minus strand). Cytogenetic location: 13q12.13.
Variant type: single nucleotide variant.
Coding change: c.1227C>G on transcript NM_018451.5 (MANE Select); coding-DNA position 1227, C replaced by G.
Protein change: p.Asp409Glu; replaces aspartic acid 409 with glutamic acid.
Molecular consequence: missense variant. On other transcripts: non-coding transcript variant (2).
Genome position (GRCh38, 1-based): chr13:24,906,811, G>C on the plus strand (C>G on the coding strand, the complement: CPAP is on the minus strand). VCF-style: chr13-24906811-G-C. GRCh37 (hg19) VCF-style: chr13-25480949-G-C.
Other names: short protein forms D409E.
Identifiers: ClinVar variation 1910675 (VCV001910675.3), dbSNP rs765079838, ClinGen allele CA6919794.